The following is an entry in ClinVar:

NM_033118.4(MYLK2):c.1659C>G (p.Arg553=)

Gene: MYLK2 (myosin light chain kinase 2; plus strand). Cytogenetic location: 20q11.21.
Variant type: single nucleotide variant.
Coding change: c.1659C>G on transcript NM_033118.4 (MANE Select); coding-DNA position 1659, C replaced by G.
Protein change: p.Arg553=; no amino-acid change (arginine 553 retained).
Molecular consequence: synonymous variant.
Genome position (GRCh38, 1-based): chr20:31,832,085, C>G. VCF-style: chr20-31832085-C-G. GRCh37 (hg19) VCF-style: chr20-30419888-C-G.
Identifiers: ClinVar variation 179099 (VCV000179099.4), dbSNP rs727504624, ClinGen allele CA183723.

ClinVar aggregate classification (germline): Likely benign (1 of 4 stars; one submission).

Submission:

Laboratory for Molecular Medicine, Mass General Brigham Personalized Medicine
Classification: Likely benign. Last evaluated: 2013-08-11. Review status: criteria provided, single submitter. Criteria: LMM Criteria. Collection method: clinical testing. Allele origin: germline. Observed: 1 variant allele.
Comment: Arg553Arg in exon 12 of MYLK2: This variant is not expected to have clinical sig nificance because it does not alter an amino acid residue and is not located wit hin the splice consensus sequence. Arg553Arg in exon 12 of MYLK2 (allele freque ncy = n/a)